The following is an entry in ClinVar:

NM_022765.4(MICAL1):c.124G>C (p.Gly42Arg)

Gene: MICAL1 (microtubule associated monooxygenase, calponin and LIM domain containing 1; minus strand). Cytogenetic location: 6q21.
Variant type: single nucleotide variant.
Coding change: c.124G>C on transcript NM_022765.4 (MANE Select); coding-DNA position 124, G replaced by C.
Protein change: p.Gly42Arg; replaces glycine 42 with arginine.
Molecular consequence: missense variant.
Genome position (GRCh38, 1-based): chr6:109,454,073, C>G on the plus strand (G>C on the coding strand, the complement: MICAL1 is on the minus strand). VCF-style: chr6-109454073-C-G. GRCh37 (hg19) VCF-style: chr6-109775276-C-G.
Other names: c.124G>C, p.Gly42Arg (NM_001159291.2); c.181G>C, p.Gly61Arg (NM_001286613.2); short protein forms G42R, G61R.
Identifiers: ClinVar variation 3872874 (VCV003872874.2).

ClinVar aggregate classification (germline): Uncertain significance. Review status: criteria provided, multiple submitters, no conflicts (2 of 4 stars). 2 submissions from 2 submitters: Uncertain significance (2). Last evaluated 2026-01-02.

Submissions (2):

Labcorp Genetics (formerly Invitae), Labcorp
Classification: Uncertain significance. Last evaluated: 2026-01-02. Review status: criteria provided, single submitter. Criteria: Invitae Variant Classification Sherloc (09022015). Collection method: clinical testing. Allele origin: germline.
Comment: This sequence change replaces glycine, which is neutral and non-polar, with arginine, which is basic and polar, at codon 61 of the MICAL1 protein (p.Gly61Arg). This variant is not present in population databases (gnomAD no frequency). This variant has not been reported in the literature in individuals affected with MICAL1-related conditions. ClinVar contains an entry for this variant (Variation ID: 3872874). An algorithm developed to predict the effect of missense changes on protein structure and function (PolyPhen-2) suggests that this variant is likely to be tolerated. In summary, the available evidence is currently insufficient to determine the role of this variant in disease. Therefore, it has been classified as a Variant of Uncertain Significance.

Ambry Genetics
Classification: Uncertain significance. Last evaluated: 2025-01-09. Review status: criteria provided, single submitter. Criteria: Ambry Variant Classification Scheme 2023. Collection method: clinical testing. Allele origin: germline.